The following is an entry in ClinVar:

ClinVar aggregate classification (germline): Pathogenic. Review status: criteria provided, multiple submitters, no conflicts (2 of 4 stars). 3 submissions from 3 submitters: Pathogenic (3). Last evaluated 2023-05-01.

Conditions:
Alopecia-intellectual disability syndrome 4. Also called: ALOPECIA-MENTAL RETARDATION SYNDROME 4. Identifiers: MedGen C5394241, MONDO:0030009, OMIM 618840.
Hypotrichosis 14. Identifiers: MedGen C4748930, MONDO:0032649, OMIM 618275.

Allele frequency attached by ClinVar (database versions not stated): gnomAD exomes 0.00005; TOPMed below 0.00001.
gnomAD v4.1: 65 of 1,585,628 alleles (0.0041%); highest among the groups gnomAD compares: Non-Finnish European, 0.0053%; no homozygotes.

Submissions (3):

Labcorp Genetics (formerly Invitae), Labcorp
Classification: Pathogenic. Last evaluated: 2023-05-01. Review status: criteria provided, single submitter. Criteria: Invitae Variant Classification Sherloc (09022015). Collection method: clinical testing. Allele origin: germline.
Comment: This sequence change creates a premature translational stop signal (p.Trp216*) in the LSS gene. It is expected to result in an absent or disrupted protein product. Loss-of-function variants in LSS are known to be pathogenic (PMID: 30723320). This variant is present in population databases (rs745734847, gnomAD 0.0008%). This premature translational stop signal has been observed in individual(s) with LSS-related conditions (PMID: 35803560). ClinVar contains an entry for this variant (Variation ID: 1256057). Algorithms developed to predict the effect of sequence changes on RNA splicing suggest that this variant may disrupt the consensus splice site. For these reasons, this variant has been classified as Pathogenic.

Victorian Clinical Genetics Services, Murdoch Childrens Research Institute
Classification: Pathogenic for Alopecia-intellectual disability syndrome 4. Last evaluated: 2022-02-02. Review status: criteria provided, single submitter. Criteria: ACMG Guidelines, 2015. Collection method: clinical testing. Allele origin: germline. Inheritance: Autosomal recessive inheritance.
Comment: Based on the classification scheme VCGS_Germline_v1.3.4, this variant is classified as Pathogenic. Following criteria are met: 0102 - Loss of function is a known mechanism of disease in this gene and is associated with alopecia-intellectual disability syndrome 4 (MIM#618840) (aka neuroectodermal syndrome (PMID: 30723320)), hypotrichosis 14 (MIM#618275) and cataract 44 (MIM#616509). (I) 0106 - This gene is associated with autosomal recessive disease. (I) 0115 - Variants in this gene are known to have variable expressivity. Intra and inter-familial variability has been reported in neuroectodermal syndrome (PMID: 30723320). (I) 0201 - Variant is predicted to cause nonsense-mediated decay (NMD) and loss of protein (premature termination codon is located at least 54 nucleotides upstream of the final exon-exon junction). (SP) 0251 - This variant is heterozygous. (I) 0304 - Variant is present in gnomAD (v2) <0.01 for a recessive condition (1 heterozygote, 0 homozygotes). (SP) 0702 - Other NMD-predicted variants comparable to the one identified in this case have strong previous evidence for pathogenicity. There are five additional NMD-predicted variants that have been reported in the literature (PMID: 33155697). (SP) 0807 - This variant has no previous evidence of pathogenicity. (I) 0905 - No published segregation evidence has been identified for this variant. (I) 1007 - No published functional evidence has been identified for this variant. (I) Legend: (SP) - Supporting pathogenic, (I) - Information, (SB) - Supporting benign

Bruce Lefroy Centre, Murdoch Childrens Research Institute
Classification: Pathogenic for Hypotrichosis 14. Review status: criteria provided, single submitter. Criteria: ACMG Guidelines, 2015. Collection method: research. Allele origin: paternal. Inheritance: Autosomal recessive inheritance. Affected: yes. Observed: 1 variant allele.

Literature cited by the submitters: PubMed 30723320 (cited by Labcorp Genetics (formerly Invitae), Labcorp and Victorian Clinical Genetics Services, Murdoch Childrens Research Institute); PubMed 35803560 (cited by Labcorp Genetics (formerly Invitae), Labcorp); PubMed 33155697 (cited by Victorian Clinical Genetics Services, Murdoch Childrens Research Institute).

NM_002340.6(LSS):c.647G>A (p.Trp216Ter)

Gene: LSS (lanosterol synthase; minus strand). Cytogenetic location: 21q22.3.
Variant type: single nucleotide variant.
Coding change: c.647G>A on transcript NM_002340.6 (MANE Select); coding-DNA position 647, G replaced by A.
Protein change: p.Trp216Ter; replaces tryptophan 216 with a stop codon.
Molecular consequence: nonsense.
Genome position (GRCh38, 1-based): chr21:46,219,476, C>T on the plus strand (G>A on the coding strand, the complement: LSS is on the minus strand). VCF-style: chr21-46219476-C-T. GRCh37 (hg19) VCF-style: chr21-47639390-C-T.
Other names: c.647G>A, p.Trp216Ter (NM_001001438.3); c.647G>A (NM_002340.5); c.614G>A, p.Trp205Ter (NM_001145436.2); c.407G>A, p.Trp136Ter (NM_001145437.2); short protein forms W136*, W205*, W216*.
Identifiers: ClinVar variation 1256057 (VCV001256057.7), dbSNP rs745734847, ClinGen allele CA10075398.
Genomic context (GRCh38, chr21:46,219,476, plus strand): 5'-GTCACTCTACTCCCCGGGACAGCAGCAGCGACCCAACAACCCAATCAACAGCAGACATAC[C>T]ACATCTCTGGGAACAGGGTATTGAGGCCTTCCCAGCTGTAAACATTCAGGACAGCCAGCC-3'